The following is an entry in ClinVar:

NM_004820.5(CYP7B1):c.793C>T (p.Gln265Ter)

Gene: CYP7B1 (cytochrome P450 family 7 subfamily B member 1; minus strand). Cytogenetic location: 8q12.3.
Variant type: single nucleotide variant.
Coding change: c.793C>T on transcript NM_004820.5 (MANE Select); coding-DNA position 793, C replaced by T.
Protein change: p.Gln265Ter; replaces glutamine 265 with a stop codon.
Molecular consequence: nonsense.
Genome position (GRCh38, 1-based): chr8:64,615,748, G>A on the plus strand (C>T on the coding strand, the complement: CYP7B1 is on the minus strand). VCF-style: chr8-64615748-G-A. GRCh37 (hg19) VCF-style: chr8-65528305-G-A.
Other names: c.793C>T, p.Gln265Ter (NM_001324112.2); short protein forms Q265*.
Identifiers: ClinVar variation 280294 (VCV000280294.2), dbSNP rs886041525, ClinGen allele CA10603071.

ClinVar aggregate classification (germline): Pathogenic (1 of 4 stars; one submission).

Allele frequency attached by ClinVar (database versions not stated): gnomAD 0.00001; TOPMed below 0.00001.
gnomAD v4.1: 1 of 1,613,538 alleles (0.000062%); highest among the groups gnomAD compares: Non-Finnish European, 0.000085%; no homozygotes.

Submission:

GeneDx
Classification: Pathogenic. Last evaluated: 2016-02-01. Review status: criteria provided, single submitter. Criteria: GeneDx Variant Classification (06012015). Collection method: clinical testing. Allele origin: germline. Affected: yes.
Comment: The Q265X pathogenic variant in CYP7B1 is predicted to cause loss of normal protein function either through protein truncation or nonsense-mediated mRNA decay. It was not observed in approximately 6,500 individuals of European and African American ancestry in the NHLBI Exome Sequencing Project, indicating it is not a common benign variant in these populations. Although Q265X has not been reported previously to our knowledge, we consider it to be pathogenic.